The following is an entry in ClinVar:

NM_024675.4(PALB2):c.1499_1502dup (p.Arg501delinsSerTer)

Gene: PALB2 (partner and localizer of BRCA2; minus strand). Cytogenetic location: 16p12.2.
Variant type: Duplication.
Coding change: c.1499_1502dup on transcript NM_024675.4 (MANE Select); coding-DNA positions 1499 to 1502, 4 bases duplicated (CTAG; older notation c.1499_1502dupCTAG).
Protein change: p.Arg501delinsSerTer.
Molecular consequence: nonsense. On other transcripts: intron variant (3).
Genome position (GRCh38, 1-based): chr16:23,635,044-23,635,047, CTAG duplicated on the plus strand (CTAG on the coding strand, the reverse complement: PALB2 is on the minus strand). VCF-style (leftmost placement, unchanged base first): chr16-23635043-C-CCTAG. GRCh37 (hg19) VCF-style: chr16-23646364-C-CCTAG.
Other names: c.1439_1442dup, p.Arg481delinsSerTer (NM_001407296.1); c.1499_1502dup, p.Arg501delinsSerTer (NM_001407297.1, NM_001407298.1, NM_001407299.1 and 3 more transcripts); c.614_617dup, p.Arg206delinsSerTer (NM_001407304.1, NM_001407305.1, NM_001407306.1 and 5 more transcripts); c.49-5772_49-5769dup (NM_001407314.1); c.-104-4578_-104-4575dup (NM_001407313.1, NM_001407312.1).
Identifiers: ClinVar variation 4726635 (VCV004726635.1).
Genomic context (GRCh38, chr16:23,635,043, plus strand): 5'-GGTGCAGGCTGATTTTCTTTTTCCTGTGTATCTTCTACCAGGTGCTTGGGCAACTGCCTT[C>CCTAG]CTAGACAAGTCATTATCTTCAGTGGGCCCAGCGGGAGAGCTGACTTTAGTTAATGAGAGA-3'

ClinVar aggregate classification (germline): Pathogenic (1 of 4 stars; one submission).

Conditions:
Familial cancer of breast. Also called: Hereditary breast cancer; hereditary breast carcinoma; BREAST CANCER, FAMILIAL. Identifiers: Orphanet 227535, MedGen C0346153, MONDO:0016419, OMIM 114480. Disease mechanism: loss of function.

Submission:

Labcorp Genetics (formerly Invitae), Labcorp
Classification: Pathogenic for Familial cancer of breast. Last evaluated: 2025-09-04. Review status: criteria provided, single submitter. Criteria: Invitae Variant Classification Sherloc (09022015). Collection method: clinical testing. Allele origin: germline.
Comment: This sequence change creates a premature translational stop signal (p.Arg501delinsSer*) in the PALB2 gene. It is expected to result in an absent or disrupted protein product. Loss-of-function variants in PALB2 are known to be pathogenic (PMID: 17200668, 17200671, 17200672, 24136930, 25099575). This variant is not present in population databases (gnomAD no frequency). This variant has not been reported in the literature in individuals affected with PALB2-related conditions. For these reasons, this variant has been classified as Pathogenic.

Literature cited by the submitters: PubMed 17200668; PubMed 17200671; PubMed 17200672; PubMed 24136930; PubMed 25099575.